The following is an entry in ClinVar:

NM_025074.7(FRAS1):c.2041C>T (p.Gln681Ter)

Gene: FRAS1 (Fraser extracellular matrix complex subunit 1; plus strand). Cytogenetic location: 4q21.21.
Variant type: single nucleotide variant.
Coding change: c.2041C>T on transcript NM_025074.7 (MANE Select); coding-DNA position 2041, C replaced by T.
Protein change: p.Gln681Ter; replaces glutamine 681 with a stop codon.
Molecular consequence: nonsense.
Genome position (GRCh38, 1-based): chr4:78,318,890, C>T. VCF-style: chr4-78318890-C-T. GRCh37 (hg19) VCF-style: chr4-79240044-C-T.
Other names: c.2041C>T, p.Gln681Ter (NM_001166133.2); short protein forms Q681*.
Identifiers: ClinVar variation 2754304 (VCV002754304.3), dbSNP rs2476767867, ClinGen allele CA357368578.
Genomic context (GRCh38, chr4:78,318,890, plus strand): 5'-GCTTGTATGGGTCCCGCACCCTCTCACTGTACTGGGTGTAAGAAGCCAGAGGAAGGACTG[C>T]AAGTGGAGCAGCTGTCTGACGTGGGCATCCCCTCTGGCGAGTGTCTAGCCCAGTGTAGAG-3'

ClinVar aggregate classification (germline): Pathogenic (1 of 4 stars; one submission).

Submission:

Labcorp Genetics (formerly Invitae), Labcorp
Classification: Pathogenic. Last evaluated: 2023-08-22. Review status: criteria provided, single submitter. Criteria: Invitae Variant Classification Sherloc (09022015). Collection method: clinical testing. Allele origin: germline.
Comment: This variant has not been reported in the literature in individuals affected with FRAS1-related conditions. For these reasons, this variant has been classified as Pathogenic. This variant is not present in population databases (gnomAD no frequency). This sequence change creates a premature translational stop signal (p.Gln681*) in the FRAS1 gene. It is expected to result in an absent or disrupted protein product. Loss-of-function variants in FRAS1 are known to be pathogenic (PMID: 12766769, 18671281).

Literature cited by the submitters: PubMed 12766769; PubMed 18671281.